The following is an entry in ClinVar:

ClinVar aggregate classification (germline): Uncertain significance (1 of 4 stars; one submission).

Conditions:
Cardiovascular phenotype. Identifiers: MedGen CN230736.

Submission:

Ambry Genetics
Classification: Uncertain significance for Cardiovascular phenotype. Last evaluated: 2024-04-07. Review status: criteria provided, single submitter. Criteria: Ambry Variant Classification Scheme 2023. Collection method: clinical testing. Allele origin: germline.
Comment: The p.G320D variant (also known as c.959G>A), located in coding exon 2 of the NKX2-5 gene, results from a G to A substitution at nucleotide position 959. The glycine at codon 320 is replaced by aspartic acid, an amino acid with similar properties. This amino acid position is conserved. In addition, the in silico prediction for this alteration is inconclusive. Based on the available evidence, the clinical significance of this variant remains unclear.

NM_004387.4(NKX2-5):c.959G>A (p.Gly320Asp)

Gene: NKX2-5 (NK2 homeobox 5; minus strand). Cytogenetic location: 5q35.1.
Variant type: single nucleotide variant.
Coding change: c.959G>A on transcript NM_004387.4 (MANE Select); coding-DNA position 959, G replaced by A.
Protein change: p.Gly320Asp; replaces glycine 320 with aspartic acid.
Molecular consequence: missense variant. On other transcripts: 3 prime UTR variant (2).
Genome position (GRCh38, 1-based): chr5:173,232,585, C>T on the plus strand (G>A on the coding strand, the complement: NKX2-5 is on the minus strand). VCF-style: chr5-173232585-C-T. GRCh37 (hg19) VCF-style: chr5-172659588-C-T.
Other names: c.*912G>A (NM_001166175.2); c.*758G>A (NM_001166176.2); short protein forms G320D.
Identifiers: ClinVar variation 3299921 (VCV003299921.1).